The following is an entry in ClinVar:

ClinVar aggregate classification (germline): Likely benign (1 of 4 stars; one submission).

gnomAD v4.1: 49 of 1,612,908 alleles (0.003%); highest among the groups gnomAD compares: African/African-American, 0.049%; 1 homozygote.

Submission:

CeGaT Center for Human Genetics Tuebingen
Classification: Likely benign. Last evaluated: 2026-04-01. Review status: criteria provided, single submitter. Criteria: CeGaT Center For Human Genetics Tuebingen Variant Classification Criteria Version 2. Collection method: clinical testing. Allele origin: germline. Affected: yes. Observed: 1 variant allele.
Comment: KDM6B: BP4, BP7

NM_001348716.2(KDM6B):c.1827C>T (p.Ala609=)

Gene: KDM6B (lysine demethylase 6B; plus strand). Cytogenetic location: 17p13.1.
Variant type: single nucleotide variant.
Coding change: c.1827C>T on transcript NM_001348716.2 (MANE Select); coding-DNA position 1827, C replaced by T.
Protein change: p.Ala609=; no amino-acid change (alanine 609 retained).
Molecular consequence: synonymous variant.
Genome position (GRCh38, 1-based): chr17:7,848,115, C>T. VCF-style: chr17-7848115-C-T. GRCh37 (hg19) VCF-style: chr17-7751433-C-T.
Other names: c.1827C>T, p.Ala609= (NM_001080424.2).
Identifiers: ClinVar variation 4873518 (VCV004873518.2).